The following is an entry in ClinVar:

NM_001164508.2(NEB):c.5030A>G (p.Asp1677Gly)

Gene: NEB (nebulin; minus strand). Cytogenetic location: 2q23.3.
Variant type: single nucleotide variant.
Coding change: c.5030A>G on transcript NM_001164508.2 (MANE Select); coding-DNA position 5030, A replaced by G.
Protein change: p.Asp1677Gly; replaces aspartic acid 1677 with glycine.
Molecular consequence: missense variant.
Genome position (GRCh38, 1-based): chr2:151,666,091, T>C on the plus strand (A>G on the coding strand, the complement: NEB is on the minus strand). VCF-style: chr2-151666091-T-C. GRCh37 (hg19) VCF-style: chr2-152522605-T-C.
Other names: c.5030A>G, p.Asp1677Gly (NM_001164507.2, NM_001271208.2, NM_004543.5); short protein forms D1677G.
Identifiers: ClinVar variation 1975571 (VCV001975571.2), dbSNP rs201389582, ClinGen allele CA1910481.
Genomic context (GRCh38, chr2:151,666,091, plus strand): 5'-CTCCTGTTTTTTCCTCCCACCCATTAGAAATGGATAACAACTTGGTAACCAGTACATACA[T>C]CACTCTGAATCTGCATGGCATTCCTGGAGTGCTCCACATTCAAGGCATCGGGCAGGAGAG-3'
Protein context (NP_001157980.2, residues 1667-1687): HSRNAMQIQS[Asp1677Gly]NLYKSDFTNW

ClinVar aggregate classification (germline): Uncertain significance (1 of 4 stars; one submission).

Conditions:
Nemaline myopathy 2 (NEM2). Also called: Nemaline myopathy 2, autosomal recessive. Identifiers: MedGen C1850569, MONDO:0009725, OMIM 256030.

Allele frequency attached by ClinVar (database versions not stated): ExAC 0.00003; ESP Exome Variant Server 0.00008; 1000 Genomes Project 30x 0.00016; 1000 Genomes Project 0.00020.
gnomAD v4.1: 24 of 1,610,480 alleles (0.0015%); highest among the groups gnomAD compares: Admixed American, 0.0033%; no homozygotes.

Submission:

Labcorp Genetics (formerly Invitae), Labcorp
Classification: Uncertain significance for Nemaline myopathy 2. Last evaluated: 2022-06-24. Review status: criteria provided, single submitter. Criteria: Invitae Variant Classification Sherloc (09022015). Collection method: clinical testing. Allele origin: germline.
Comment: This sequence change replaces aspartic acid, which is acidic and polar, with glycine, which is neutral and non-polar, at codon 1677 of the NEB protein (p.Asp1677Gly). This variant is present in population databases (rs201389582, gnomAD 0.005%). This variant has not been reported in the literature in individuals affected with NEB-related conditions. Algorithms developed to predict the effect of missense changes on protein structure and function are either unavailable or do not agree on the potential impact of this missense change (SIFT: "Deleterious"; PolyPhen-2: "Not Available"; Align-GVGD: "Class C0"). Algorithms developed to predict the effect of sequence changes on RNA splicing suggest that this variant may create or strengthen a splice site. In summary, the available evidence is currently insufficient to determine the role of this variant in disease. Therefore, it has been classified as a Variant of Uncertain Significance.